The following is an entry in ClinVar:

ClinVar aggregate classification (germline): Benign/Likely benign. Review status: criteria provided, multiple submitters, no conflicts (2 of 4 stars). 6 submissions from 6 submitters: Benign (2); Likely benign (1). 3 of the submissions do not count toward it. Last evaluated 2026-02-01.

Conditions:
FAT4-related disorder. Also called: FAT4-related condition.

Allele frequency attached by ClinVar (database versions not stated): TOPMed 0.00045; ESP Exome Variant Server 0.00067; 1000 Genomes Project 30x 0.00094; 1000 Genomes Project 0.00120; gnomAD exomes 0.00192 and 0.00384; gnomAD 0.00328 and 0.00342; ExAC 0.00349.
gnomAD v4.1: 3,279 of 1,613,856 alleles (0.2%); highest among the groups gnomAD compares: Non-Finnish European, 0.087%; 45 homozygotes.

Submissions (6):

Labcorp Genetics (formerly Invitae), Labcorp
Classification: Benign. Last evaluated: 2026-02-01. Review status: criteria provided, single submitter. Criteria: Invitae Variant Classification Sherloc (09022015). Collection method: clinical testing. Allele origin: germline.

CeGaT Center for Human Genetics Tuebingen
Classification: Likely benign. Last evaluated: 2025-04-01. Review status: criteria provided, single submitter. Criteria: CeGaT Center For Human Genetics Tuebingen Variant Classification Criteria Version 2. Collection method: clinical testing. Allele origin: germline. Affected: yes. Observed: 2 variant alleles.
Comment: FAT4: BS1

GeneDx
Classification: Benign. Last evaluated: 2018-10-22. Review status: criteria provided, single submitter. Criteria: GeneDx Variant Classification Process June 2021. Collection method: clinical testing. Allele origin: germline. Affected: yes.

PreventionGenetics, part of Exact Sciences
Classification: Benign for FAT4-related condition. Last evaluated: 2019-06-21. Review status: no assertion criteria provided. Collection method: clinical testing. Allele origin: germline. Not counted in ClinVar's aggregate classification.
Comment: This variant is classified as benign based on ACMG/AMP sequence variant interpretation guidelines (Richards et al. 2015 PMID: 25741868, with internal and published modifications).

Clinical Genetics DNA and cytogenetics Diagnostics Lab, Erasmus MC, Erasmus Medical Center
Classification: Uncertain significance. Review status: no assertion criteria provided. Collection method: clinical testing. Allele origin: germline. Affected: yes. Study: VKGL Data-share Consensus. Not counted in ClinVar's aggregate classification.

Laboratory of Diagnostic Genome Analysis, Leiden University Medical Center (LUMC)
Classification: Uncertain significance. Review status: no assertion criteria provided. Collection method: clinical testing. Allele origin: germline. Affected: yes. Study: VKGL Data-share Consensus. Not counted in ClinVar's aggregate classification.

NM_001291303.3(FAT4):c.3658T>A (p.Ser1220Thr)

Gene: FAT4 (FAT atypical cadherin 4; plus strand). Cytogenetic location: 4q28.1.
Variant type: single nucleotide variant.
Coding change: c.3658T>A on transcript NM_001291303.3 (MANE Select); coding-DNA position 3658, T replaced by A.
Protein change: p.Ser1220Thr; replaces serine 1220 with threonine.
Molecular consequence: missense variant.
Genome position (GRCh38, 1-based): chr4:125,320,069, T>A. VCF-style: chr4-125320069-T-A. GRCh37 (hg19) VCF-style: chr4-126241224-T-A.
Other names: c.3658T>A, p.Ser1220Thr (NM_001291285.3, NM_024582.6); short protein forms S1220T.
Identifiers: ClinVar variation 748114 (VCV000748114.43), dbSNP rs181368820, ClinGen allele CA3072340.